The following is an entry in ClinVar:

NM_004544.4(NDUFA10):c.499T>G (p.Phe167Val)

Gene: NDUFA10 (NADH:ubiquinone oxidoreductase subunit A10; minus strand). Cytogenetic location: 2q37.3.
Variant type: single nucleotide variant.
Coding change: c.499T>G on transcript NM_004544.4 (MANE Select); coding-DNA position 499, T replaced by G.
Protein change: p.Phe167Val; replaces phenylalanine 167 with valine.
Molecular consequence: missense variant. On other transcripts: non-coding transcript variant (4).
Genome position (GRCh38, 1-based): chr2:240,018,601, A>C on the plus strand (T>G on the coding strand, the complement: NDUFA10 is on the minus strand). VCF-style: chr2-240018601-A-C. GRCh37 (hg19) VCF-style: chr2-240958018-A-C.
Other names: c.499T>G, p.Phe167Val (NM_001322019.2, NM_001322020.2, NM_001410987.1); short protein forms F167V.
Identifiers: ClinVar variation 5006258 (VCV005006258.2).
Genomic context (GRCh38, chr2:240,018,601, plus strand): 5'-ATGCTGACTCACACTGCTTTCGGATGAATCCCTGGTTGTACATCGCCTCCAGGAACACAA[A>C]GTCACTGAAGATGGAGCGCTCCAACACAACACCTTGTCCTGTTTAAACATAGGCAAACAG-3'
Protein context (NP_004535.1, residues 157-177): VVLERSIFSD[Phe167Val]VFLEAMYNQG

ClinVar aggregate classification (germline): Uncertain significance (1 of 4 stars; one submission).

Conditions:
Mitochondrial complex I deficiency, nuclear type 22. Also called: Mitochondrial complex 1 deficiency, nuclear type 22. Identifiers: MedGen C4748796, MONDO:0032626, OMIM 618243.

gnomAD v4.1: 27 of 1,614,196 alleles (0.0017%); highest among the groups gnomAD compares: East Asian, 0.053%; no homozygotes.

Submission:

Juno Genomics, Hangzhou Juno Genomics, Inc
Classification: Uncertain significance for Mitochondrial complex I deficiency, nuclear type 22. Review status: criteria provided, single submitter. Criteria: ACMG Guidelines, 2015. Collection method: clinical testing. Allele origin: germline.
Comment: Absent from controls (or at extremely low frequency if recessive) in Genome Aggregation Database.;Multiple lines of computational evidence support a deleterious effect on the gene or gene product.